The following is an entry in ClinVar:

NM_000282.4(PCCA):c.-20G>A

Gene: PCCA (propionyl-CoA carboxylase subunit alpha; plus strand). Cytogenetic location: 13q32.3.
Variant type: single nucleotide variant.
Coding change: c.-20G>A on transcript NM_000282.4 (MANE Select); 20 bases upstream of the start codon, G replaced by A.
Molecular consequence: 5 prime UTR variant. On other transcripts: non-coding transcript variant (5).
Genome position (GRCh38, 1-based): chr13:100,089,101, G>A. VCF-style: chr13-100089101-G-A. GRCh37 (hg19) VCF-style: chr13-100741355-G-A.
Other names: c.-20G>A (NM_001127692.3, NM_001178004.2, NM_001352605.2 and 4 more transcripts); c.-886G>A (NM_001352610.2, NM_001352611.2, NM_001352612.2).
Identifiers: ClinVar variation 310840 (VCV000310840.6), dbSNP rs374941593, ClinGen allele CA7033052.

ClinVar aggregate classification (germline): Conflicting classifications of pathogenicity. Review status: criteria provided, conflicting classifications (1 of 4 stars). 3 submissions from 3 submitters: Uncertain significance (1); Likely benign (2). Last evaluated 2024-11-08.

Conditions:
Propionic acidemia (PROP). Also called: GLYCINEMIA, KETOTIC; HYPERGLYCINEMIA WITH KETOACIDOSIS AND LEUKOPENIA; KETOTIC HYPERGLYCINEMIA. Identifiers: Orphanet 35, MedGen C0268579, MONDO:0011628, OMIM 606054, HP:0003571.

Allele frequency attached by ClinVar (database versions not stated): gnomAD 0.00021 and 0.00033; ESP Exome Variant Server 0.00024; TOPMed 0.00025; gnomAD exomes 0.00042 and 0.00069; 1000 Genomes Project 30x 0.00109; 1000 Genomes Project 0.00140; ExAC 0.00228.
gnomAD v4.1: 618 of 1,470,070 alleles (0.042%); highest among the groups gnomAD compares: South Asian, 0.34%; 4 homozygotes.

Submissions (3):

Blueprint Genetics
Classification: Likely benign. Last evaluated: 2024-11-08. Review status: criteria provided, single submitter. Criteria: ACMG Guidelines, 2015. Collection method: clinical testing. Allele origin: germline.

Illumina Laboratory Services, Illumina
Classification: Uncertain significance for Propionic acidemia. Last evaluated: 2018-01-13. Review status: criteria provided, single submitter. Criteria: ICSL Variant Classification Criteria 13 December 2019. Collection method: clinical testing. Allele origin: germline.

GeneDx
Classification: Likely benign. Last evaluated: 2017-07-27. Review status: criteria provided, single submitter. Criteria: GeneDx Variant Classification (06012015). Collection method: clinical testing. Allele origin: germline. Affected: yes.
Comment: This variant is considered likely benign or benign based on one or more of the following criteria: it is a conservative change, it occurs at a poorly conserved position in the protein, it is predicted to be benign by multiple in silico algorithms, and/or has population frequency not consistent with disease.